The following is an entry in ClinVar:

ClinVar aggregate classification (germline): Uncertain significance (1 of 4 stars; one submission).

gnomAD v4.1: 3 of 1,613,464 alleles (0.00019%); highest among the groups gnomAD compares: Non-Finnish European, 0.00025%; no homozygotes.

Submission:

GeneDx
Classification: Uncertain significance. Last evaluated: 2014-04-29. Review status: criteria provided, single submitter. Criteria: GeneDx Variant Classification (06012015). Collection method: clinical testing. Allele origin: germline. Affected: yes.
Comment: Missense variants in the TTN gene are considered 'unclassified' if they are not previously reported in the literature and do not have >1% frequency in the population to be considered a polymorphism. Research indicates that truncating mutations in the TTN gene are expected to account for approximately 25% of familial and 18% of sporadic idiopathic DCM; however, truncating variants in the TTN gene have been reported in approximately 3% of reported control alleles. There has been little investigation into non-truncating variants. (Herman D et al. Truncations of titin causing dilated cardiomyopathy. N Eng J Med 366:619-628, 2012) The variant is found in DCM-CRDM panel(s).

NM_001267550.2(TTN):c.22666C>A (p.Arg7556Ser)

Gene: TTN (titin; minus strand). Cytogenetic location: 2q31.2.
Variant type: single nucleotide variant.
Coding change: c.22666C>A on transcript NM_001267550.2 (MANE Select); coding-DNA position 22666, C replaced by A.
Protein change: p.Arg7556Ser; replaces arginine 7556 with serine.
Molecular consequence: missense variant. On other transcripts: intron variant (3).
Genome position (GRCh38, 1-based): chr2:178,721,997, G>T on the plus strand (C>A on the coding strand, the complement: TTN is on the minus strand). VCF-style: chr2-178721997-G-T. GRCh37 (hg19) VCF-style: chr2-179586724-G-T.
Other names: p.R7239S:CGT>AGT; c.21715C>A, p.Arg7239Ser (NM_001256850.1); c.18934C>A, p.Arg6312Ser (NM_133378.4); c.13282+16085C>A (NM_003319.4); c.13858+16085C>A (NM_133437.4); c.13657+16085C>A (NM_133432.3); short protein forms R7239S, R7556S, R6312S.
Identifiers: ClinVar variation 203315 (VCV000203315.2), dbSNP rs754885396, ClinGen allele CA312013.